The following is an entry in ClinVar:

ClinVar aggregate classification (germline): Pathogenic/Likely pathogenic. Review status: criteria provided, multiple submitters, no conflicts (2 of 4 stars). 2 submissions from 2 submitters: Pathogenic (1); Likely pathogenic (1). Last evaluated 2023-07-17.

Conditions:
Hearing loss, autosomal recessive 57. Also called: DEAFNESS, AUTOSOMAL RECESSIVE 57. Identifiers: MedGen C4693893, MONDO:0033201, OMIM 618003.
Usher syndrome type 2A. Also called: RETINAL DISEASE IN USHER SYNDROME TYPE IIA, MODIFIER OF; USHER SYNDROME, TYPE IIA. Identifiers: Orphanet 231178, Orphanet 886, MedGen C1848634, MONDO:0010169, OMIM 276901.
Usher syndrome type 2C. Also called: Usher syndrome, type 2B; USHER SYNDROME, TYPE IIC. Identifiers: Orphanet 231178, Orphanet 886, MedGen C2931213, MONDO:0011558, OMIM 605472.

Submissions (2):

Labcorp Genetics (formerly Invitae), Labcorp
Classification: Pathogenic. Last evaluated: 2023-07-17. Review status: criteria provided, single submitter. Criteria: Invitae Variant Classification Sherloc (09022015). Collection method: clinical testing. Allele origin: germline.
Comment: For these reasons, this variant has been classified as Pathogenic. ClinVar contains an entry for this variant (Variation ID: 2112461). This variant has not been reported in the literature in individuals affected with PDZD7-related conditions. This variant is not present in population databases (gnomAD no frequency). This sequence change creates a premature translational stop signal (p.Ser806Alafs*2) in the PDZD7 gene. It is expected to result in an absent or disrupted protein product. Loss-of-function variants in PDZD7 are known to be pathogenic (PMID: 20440071).

Juno Genomics, Hangzhou Juno Genomics, Inc
Classification: Likely pathogenic for Usher syndrome type 2A; Usher syndrome type 2C; Hearing loss, autosomal recessive 57. Review status: criteria provided, single submitter. Criteria: ACMG Guidelines, 2015. Collection method: clinical testing. Allele origin: germline. Affected: yes.
Comment: Absent from controls (or at extremely low frequency if recessive) in Genome Aggregation Database.;Null variant in a gene where loss of function (LOF) is a known mechanism of disease.

Literature cited by the submitters: PubMed 20440071 (cited by Labcorp Genetics (formerly Invitae), Labcorp).

NM_001195263.2(PDZD7):c.2415del (p.Ser806fs)

Gene: PDZD7 (PDZ domain containing 7; minus strand). Cytogenetic location: 10q24.31.
Variant type: Deletion.
Coding change: c.2415del on transcript NM_001195263.2 (MANE Select); coding-DNA position 2415, one base deleted (C; older notation c.2415delC).
Protein change: p.Ser806fs; shifts the reading frame from serine 806.
Molecular consequence: frameshift variant.
Genome position (GRCh38, 1-based): chr10:101,010,474, G deleted on the plus strand (C on the coding strand, the reverse complement: PDZD7 is on the minus strand); the first of 5 consecutive G bases (chr10:101,010,474-101,010,478); deleting any one gives the same sequence. VCF-style (leftmost placement, unchanged base first): chr10-101010473-TG-T. GRCh37 (hg19) VCF-style: chr10-102770230-TG-T.
Other names: short protein forms S806fs.
Identifiers: ClinVar variation 2112461 (VCV002112461.5), dbSNP rs1426375707, ClinGen allele CA658923005.